The following is an entry in ClinVar:

NM_176787.5(PIGN):c.1871G>T (p.Gly624Val)

Gene: PIGN (phosphatidylinositol glycan anchor biosynthesis class N; minus strand). Cytogenetic location: 18q21.33.
Variant type: single nucleotide variant.
Coding change: c.1871G>T on transcript NM_176787.5 (MANE Select); coding-DNA position 1871, G replaced by T.
Protein change: p.Gly624Val; replaces glycine 624 with valine.
Molecular consequence: missense variant.
Genome position (GRCh38, 1-based): chr18:62,102,891, C>A on the plus strand (G>T on the coding strand, the complement: PIGN is on the minus strand). VCF-style: chr18-62102891-C-A. GRCh37 (hg19) VCF-style: chr18-59770124-C-A.
Other names: c.1871G>T, p.Gly624Val (NM_012327.6); short protein forms G624V.
Identifiers: ClinVar variation 835221 (VCV000835221.9), dbSNP rs1346060513, ClinGen allele CA402604147.
Genomic context (GRCh38, chr18:62,102,891, plus strand): 5'-CTATCTTTTCTTTTCATGAGAGATGTTACAACACACAGGGATAACAGAAGAACCAGCAAG[C>A]CTGCACCCATCCTGTTTTGAAATACAATTAATTTTAAATTTTCTTCAGATATTTACGAAC-3'
Protein context (NP_789744.1, residues 614-634): KPDISLVMGA[Gly624Val]LLVLLLSLCV

ClinVar aggregate classification (germline): Uncertain significance (1 of 4 stars; one submission).

Conditions:
Multiple congenital anomalies-hypotonia-seizures syndrome 1 (MCAHS1). Also called: GLYCOSYLPHOSPHATIDYLINOSITOL BIOSYNTHESIS DEFECT 3; PIGN-CDG; Congenital disorder of glycosylation due to PIGN deficiency. Identifiers: Orphanet 280633, MedGen C3279775, MONDO:0013563, OMIM 614080.

Allele frequency attached by ClinVar (database versions not stated): TOPMed below 0.00001.

Submission:

Labcorp Genetics (formerly Invitae), Labcorp
Classification: Uncertain significance for Multiple congenital anomalies-hypotonia-seizures syndrome 1. Last evaluated: 2019-06-05. Review status: criteria provided, single submitter. Criteria: Invitae Variant Classification Sherloc (09022015). Collection method: clinical testing. Allele origin: germline.
Comment: This sequence change replaces glycine with valine at codon 624 of the PIGN protein (p.Gly624Val). The glycine residue is highly conserved and there is a moderate physicochemical difference between glycine and valine. This variant is not present in population databases (ExAC no frequency). This variant has not been reported in the literature in individuals with PIGN-related conditions. Algorithms developed to predict the effect of missense changes on protein structure and function are either unavailable or do not agree on the potential impact of this missense change (SIFT: "Deleterious"; PolyPhen-2: "Probably Damaging"; Align-GVGD: "Class C15"). In summary, the available evidence is currently insufficient to determine the role of this variant in disease. Therefore, it has been classified as a Variant of Uncertain Significance.